The following is an entry in ClinVar:

ClinVar aggregate classification (germline): Benign/Likely benign. Review status: criteria provided, multiple submitters, no conflicts (2 of 4 stars). 2 submissions from 2 submitters: Benign (1); Likely benign (1). Last evaluated 2024-10-01.

Conditions:
Familial cancer of breast. Also called: BREAST CANCER, FAMILIAL; Hereditary breast cancer; hereditary breast carcinoma. Identifiers: Orphanet 227535, MedGen C0346153, MONDO:0016419, OMIM 114480. Disease mechanism: loss of function.

Allele frequency attached by ClinVar (database versions not stated): gnomAD exomes below 0.00001.
gnomAD v4.1: 1 of 1,613,940 alleles (0.000062%); highest among the groups gnomAD compares: Non-Finnish European, 0.000085%; no homozygotes.

Submissions (2):

Myriad Genetics, Inc.
Classification: Benign for Familial cancer of breast. Last evaluated: 2024-10-01. Review status: criteria provided, single submitter. Criteria: Myriad Autosomal Dominant, Autosomal Recessive and X-Linked Classification Criteria (2023). Collection method: clinical testing. Allele origin: unknown.
Comment: This variant is considered benign. This variant is a silent/synonymous amino acid change and it is not expected to impact splicing.

Labcorp Genetics (formerly Invitae), Labcorp
Classification: Likely benign for Familial cancer of breast. Last evaluated: 2024-02-17. Review status: criteria provided, single submitter. Criteria: Invitae Variant Classification Sherloc (09022015). Collection method: clinical testing. Allele origin: germline.

NM_007194.4(CHEK2):c.69C>T (p.Gly23=)

Gene: CHEK2 (checkpoint kinase 2; minus strand). Cytogenetic location: 22q12.1.
Variant type: single nucleotide variant.
Coding change: c.69C>T on transcript NM_007194.4 (MANE Select); coding-DNA position 69, C replaced by T.
Protein change: p.Gly23=; no amino-acid change (glycine 23 retained).
Molecular consequence: synonymous variant.
Genome position (GRCh38, 1-based): chr22:28,734,653, G>A on the plus strand (C>T on the coding strand, the complement: CHEK2 is on the minus strand). VCF-style: chr22-28734653-G-A. GRCh37 (hg19) VCF-style: chr22-29130641-G-A.
Other names: c.69C>T, p.Gly23= (NM_001005735.3, NM_001349956.3, NM_145862.3); c.-709C>T (NM_001257387.3).
Identifiers: ClinVar variation 410017 (VCV000410017.10), dbSNP rs865997083, ClinGen allele CA16616360.
Genomic context (GRCh38, chr22:28,734,653, plus strand): 5'-GGTAGAGGAGCTGGATATGCCCTGGGACTGTGAGGAGGAGCCTTGGGACTGGGTAACGCT[G>A]CCATGGGGCTGTGAACAGGCACTGCTGCCATGAGACTGCTGAGCCTCAACATCCGACTCC-3'
Protein context (NP_009125.1, residues 13-33): HGSSACSQPH[Gly23=]SVTQSQGSSS